The following is an entry in ClinVar:

NM_015335.5(MED13L):c.1690C>T (p.Arg564Ter)

Gene: MED13L (mediator complex subunit 13L; minus strand). Cytogenetic location: 12q24.21.
Variant type: single nucleotide variant.
Coding change: c.1690C>T on transcript NM_015335.5 (MANE Select); coding-DNA position 1690, C replaced by T.
Protein change: p.Arg564Ter; replaces arginine 564 with a stop codon.
Molecular consequence: nonsense.
Genome position (GRCh38, 1-based): chr12:116,008,723, G>A on the plus strand (C>T on the coding strand, the complement: MED13L is on the minus strand). VCF-style: chr12-116008723-G-A. GRCh37 (hg19) VCF-style: chr12-116446528-G-A.
Other names: short protein forms R564*.
Identifiers: ClinVar variation 521154 (VCV000521154.6), dbSNP rs1555247936, ClinGen allele CA386895772.

ClinVar aggregate classification (germline): Pathogenic. Review status: criteria provided, multiple submitters, no conflicts (2 of 4 stars). 3 submissions from 3 submitters: Pathogenic (3). Last evaluated 2026-04-15.

Conditions:
MED13L-related disorder. Also called: MED13L-related condition.
Inborn genetic diseases. Identifiers: MedGen C0950123, MeSH D030342.
Cardiac anomalies - developmental delay - facial dysmorphism syndrome (MRFACD). Also called: MED13L Syndrome; Impaired intellectual development and distinctive facial features with or without cardiac defects. Identifiers: Orphanet 369891, MedGen C5192431, MONDO:0014773, OMIM 616789.

Submissions (3):

GeneDx
Classification: Pathogenic. Last evaluated: 2026-04-15. Review status: criteria provided, single submitter. Criteria: GeneDx Variant Classification Process June 2021. Collection method: clinical testing. Allele origin: germline.
Comment: Nonsense variant predicted to result in protein truncation or nonsense mediated decay in a gene for which loss of function is a known mechanism of disease; Not observed at significant frequency in large population cohorts (gnomAD); This variant is associated with the following publications: (PMID: 33057194, 35982159, 28191890, 31785789, 25533962)

Blueprint Genetics
Classification: Pathogenic for MED13L-related disorders. Last evaluated: 2022-11-10. Review status: criteria provided, single submitter. Criteria: ACMG Guidelines, 2015. Collection method: clinical testing. Allele origin: germline. Affected: yes. Observed: 1 variant allele.

Ambry Genetics
Classification: Pathogenic for Inborn genetic diseases. Last evaluated: 2016-06-16. Review status: criteria provided, single submitter. Criteria: Ambry exome assertion method (8-5-2015). Collection method: clinical testing. Allele origin: germline. Affected: yes. Observed: 1 variant allele.